The following is an entry in ClinVar:

ClinVar aggregate classification (germline): Pathogenic (1 of 4 stars; one submission).

Conditions:
Fanconi anemia complementation group J. Also called: BRIP1-Related Fanconi Anemia. Identifiers: Orphanet 84, MedGen C1836860, MONDO:0012187, OMIM 609054.
Familial cancer of breast. Also called: BREAST CANCER, FAMILIAL; Hereditary breast cancer; hereditary breast carcinoma. Identifiers: Orphanet 227535, MedGen C0346153, MONDO:0016419, OMIM 114480. Disease mechanism: loss of function.

Submission:

Labcorp Genetics (formerly Invitae), Labcorp
Classification: Pathogenic for Familial cancer of breast; Fanconi anemia complementation group J. Last evaluated: 2022-12-20. Review status: criteria provided, single submitter. Criteria: Invitae Variant Classification Sherloc (09022015). Collection method: clinical testing. Allele origin: germline.
Comment: This variant is not present in population databases (gnomAD no frequency). This sequence change creates a premature translational stop signal (p.Gly529Aspfs*61) in the BRIP1 gene. It is expected to result in an absent or disrupted protein product. Loss-of-function variants in BRIP1 are known to be pathogenic (PMID: 16116423, 17033622, 21964575). For these reasons, this variant has been classified as Pathogenic. This variant has not been reported in the literature in individuals affected with BRIP1-related conditions.

Literature cited by the submitters: PubMed 16116423; PubMed 17033622; PubMed 21964575.

NM_032043.3(BRIP1):c.1584del (p.Gly529fs)

Gene: BRIP1 (BRCA1 interacting DNA helicase 1; minus strand). Cytogenetic location: 17q23.2.
Variant type: Deletion.
Coding change: c.1584del on transcript NM_032043.3 (MANE Select); coding-DNA position 1584, one base deleted (A; older notation c.1584delA).
Protein change: p.Gly529fs; shifts the reading frame from glycine 529.
Molecular consequence: frameshift variant.
Genome position (GRCh38, 1-based): chr17:61,784,314, T deleted on the plus strand (A on the coding strand, the reverse complement: BRIP1 is on the minus strand); the first of 3 consecutive T bases (chr17:61,784,314-61,784,316); deleting any one gives the same sequence. VCF-style (leftmost placement, unchanged base first): chr17-61784313-CT-C. GRCh37 (hg19) VCF-style: chr17-59861674-CT-C.
Other names: short protein forms G529fs.
Identifiers: ClinVar variation 2937272 (VCV002937272.3), dbSNP rs2545052746, ClinGen allele CA2639156656.
Genomic context (GRCh38, chr17:61,784,313, plus strand): 5'-TAGTTATCTTCACTTACCTGCTATTTTGCCTAAAAAGATAGTCAAGTACCATAAAAAGTC[CT>C]TTAAGCATTATTTGAGTTGATGCACTAATAACAGGTACTTCTCTTGCCTCCTCTTTACCA-3'